The following is an entry in ClinVar:

NM_153000.5(APCDD1):c.526G>A (p.Ala176Thr)

Gene: APCDD1 (APC down-regulated 1; plus strand). Cytogenetic location: 18p11.22.
Variant type: single nucleotide variant.
Coding change: c.526G>A on transcript NM_153000.5 (MANE Select); coding-DNA position 526, G replaced by A.
Protein change: p.Ala176Thr; replaces alanine 176 with threonine.
Molecular consequence: missense variant.
Genome position (GRCh38, 1-based): chr18:10,471,813, G>A. VCF-style: chr18-10471813-G-A. GRCh37 (hg19) VCF-style: chr18-10471810-G-A.
Other names: short protein forms A176T.
Identifiers: ClinVar variation 2365544 (VCV002365544.4), dbSNP rs115383241, ClinGen allele CA8891042.

ClinVar aggregate classification (germline): Uncertain significance. Review status: criteria provided, multiple submitters, no conflicts (2 of 4 stars). 2 submissions from 2 submitters: Uncertain significance (2). Last evaluated 2024-05-07.

Allele frequency attached by ClinVar (database versions not stated): gnomAD 0.00007; ESP Exome Variant Server 0.00008; TOPMed 0.00012; 1000 Genomes Project 30x 0.00016; 1000 Genomes Project 0.00020.
gnomAD v4.1: 148 of 1,613,768 alleles (0.0092%); highest among the groups gnomAD compares: Middle Eastern, 0.082%; 1 homozygote.

Submissions (2):

Labcorp Genetics (formerly Invitae), Labcorp
Classification: Uncertain significance. Last evaluated: 2024-05-07. Review status: criteria provided, single submitter. Criteria: Invitae Variant Classification Sherloc (09022015). Collection method: clinical testing. Allele origin: germline.
Comment: This sequence change replaces alanine, which is neutral and non-polar, with threonine, which is neutral and polar, at codon 176 of the APCDD1 protein (p.Ala176Thr). This variant is present in population databases (rs115383241, gnomAD 0.03%). This variant has not been reported in the literature in individuals affected with APCDD1-related conditions. ClinVar contains an entry for this variant (Variation ID: 2365544). Advanced modeling of protein sequence and biophysical properties (such as structural, functional, and spatial information, amino acid conservation, physicochemical variation, residue mobility, and thermodynamic stability) performed at Invitae indicates that this missense variant is not expected to disrupt APCDD1 protein function with a negative predictive value of 80%. In summary, the available evidence is currently insufficient to determine the role of this variant in disease. Therefore, it has been classified as a Variant of Uncertain Significance.

Ambry Genetics
Classification: Uncertain significance. Last evaluated: 2021-08-17. Review status: criteria provided, single submitter. Criteria: Ambry Variant Classification Scheme 2023. Collection method: clinical testing. Allele origin: germline.